The following is an entry in ClinVar:

ClinVar aggregate classification (germline): Uncertain significance (1 of 4 stars; one submission).

Conditions:
Temtamy syndrome (TEMTYS). Also called: MENTAL RETARDATION WITH OR WITHOUT CRANIOFACIAL DYSMORPHISM, OCULAR COLOBOMA, OR ABNORMAL CORPUS CALLOSUM. Identifiers: Orphanet 1777, MedGen C1857512, MONDO:0009033, OMIM 218340.

gnomAD v4.1: 1 of 1,613,578 alleles (0.000062%); highest among the groups gnomAD compares: East Asian, 0.0022%; no homozygotes.

Submission:

Labcorp Genetics (formerly Invitae), Labcorp
Classification: Uncertain significance for Temtamy syndrome. Last evaluated: 2021-04-16. Review status: criteria provided, single submitter. Criteria: Invitae Variant Classification Sherloc (09022015). Collection method: clinical testing. Allele origin: germline.
Comment: In summary, the available evidence is currently insufficient to determine the role of this variant in disease. Therefore, it has been classified as a Variant of Uncertain Significance. Algorithms developed to predict the effect of missense changes on protein structure and function are either unavailable or do not agree on the potential impact of this missense change (SIFT: "Deleterious"; PolyPhen-2: "Probably Damaging"; Align-GVGD: "Class C0"). This variant has not been reported in the literature in individuals with C12orf57-related conditions. This variant is not present in population databases (ExAC no frequency). This sequence change replaces proline with leucine at codon 114 of the C12orf57 protein (p.Pro114Leu). The proline residue is highly conserved and there is a moderate physicochemical difference between proline and leucine.

NM_138425.4(C12orf57):c.341C>T (p.Pro114Leu)

Gene: C12orf57 (chromosome 12 open reading frame 57; plus strand). Cytogenetic location: 12p13.31.
Variant type: single nucleotide variant.
Coding change: c.341C>T on transcript NM_138425.4 (MANE Select); coding-DNA position 341, C replaced by T.
Protein change: p.Pro114Leu; replaces proline 114 with leucine.
Molecular consequence: missense variant. On other transcripts: non-coding transcript variant (1).
Genome position (GRCh38, 1-based): chr12:6,945,882, C>T. VCF-style: chr12-6945882-C-T. GRCh37 (hg19) VCF-style: chr12-7055045-C-T.
Other names: c.341C>T, p.Pro114Leu (NM_001301834.1); c.302C>T, p.Pro101Leu (NM_001301836.2); c.254C>T, p.Pro85Leu (NM_001301837.2); c.236C>T, p.Pro79Leu (NM_001301838.2); short protein forms P101L, P114L, P79L, P85L.
Identifiers: ClinVar variation 1681844 (VCV001681844.8), dbSNP rs2138242866, ClinGen allele CA383746051.
Genomic context (GRCh38, chr12:6,945,882, plus strand): 5'-AGATCGCCAGCCTGTCAGGCAAGCTGAAGGCGCTGTTTCTGCCGCCCATGACCCTGCCAC[C>T]CCATGGGCCTGCTGCTGGTGGCAGCGTGGCCGCCTCCTGAGAGTTGGCCCTCCCTTGTGC-3'
Protein context (NP_612434.1, residues 104-124): ALFLPPMTLP[Pro114Leu]HGPAAGGSVA